The following is an entry in ClinVar:

ClinVar aggregate classification (germline): Uncertain significance (1 of 4 stars; one submission).

Conditions:
Spinocerebellar ataxia type 5 (SCA5). Identifiers: Orphanet 98766, MedGen C0752123, MONDO:0010848, OMIM 600224.

Submission:

3billion
Classification: Uncertain significance for Spinocerebellar ataxia type 5. Last evaluated: 2025-05-15. Review status: criteria provided, single submitter. Criteria: ACMG Guidelines, 2015. Collection method: clinical testing. Allele origin: germline. Affected: yes.
Comment: The variant is not observed in the gnomAD v4.1.0 dataset. Predicted Consequence/Location: Missense variant In silico tool predictions suggest damaging effect of the variant on gene or gene product [REVEL: 0.75 (>=0.6, sensitivity 0.68 and specificity 0.92); 3Cnet: 0.82 (> 0.75, sensitivity 0.96 and precision 0.92)]. Therefore, this variant is classified as VUS according to the recommendation of ACMG/AMP guideline.

NM_006946.4(SPTBN2):c.1039T>C (p.Phe347Leu)

Gene: SPTBN2 (spectrin beta, non-erythrocytic 2; minus strand). Cytogenetic location: 11q13.2.
Variant type: single nucleotide variant.
Coding change: c.1039T>C on transcript NM_006946.4 (MANE Select); coding-DNA position 1039, T replaced by C.
Protein change: p.Phe347Leu; replaces phenylalanine 347 with leucine.
Molecular consequence: missense variant.
Genome position (GRCh38, 1-based): chr11:66,710,616, A>G on the plus strand (T>C on the coding strand, the complement: SPTBN2 is on the minus strand). VCF-style: chr11-66710616-A-G. GRCh37 (hg19) VCF-style: chr11-66478087-A-G.
Other names: c.1060T>C, p.Phe354Leu (NM_001411025.1); c.1039T>C, p.Phe347Leu (NM_001437541.1); short protein forms F347L, F354L.
Identifiers: ClinVar variation 4855157 (VCV004855157.1).